The following is an entry in ClinVar:

ClinVar aggregate classification (germline): Uncertain significance (1 of 4 stars; one submission).

Allele frequency attached by ClinVar (database versions not stated): gnomAD exomes below 0.00001.
gnomAD v4.1: 1 of 1,614,102 alleles (0.000062%); highest among the groups gnomAD compares: Non-Finnish European, 0.000085%; no homozygotes.

Submission:

Labcorp Genetics (formerly Invitae), Labcorp
Classification: Uncertain significance. Last evaluated: 2024-01-19. Review status: criteria provided, single submitter. Criteria: Invitae Variant Classification Sherloc (09022015). Collection method: clinical testing. Allele origin: germline.
Comment: This sequence change replaces valine, which is neutral and non-polar, with isoleucine, which is neutral and non-polar, at codon 465 of the CDC6 protein (p.Val465Ile). This variant is not present in population databases (gnomAD no frequency). This variant has not been reported in the literature in individuals affected with CDC6-related conditions. An algorithm developed to predict the effect of missense changes on protein structure and function (PolyPhen-2) suggests that this variant is likely to be disruptive. In summary, the available evidence is currently insufficient to determine the role of this variant in disease. Therefore, it has been classified as a Variant of Uncertain Significance.

NM_001254.4(CDC6):c.1393G>A (p.Val465Ile)

Gene: CDC6 (cell division cycle 6; plus strand). Cytogenetic location: 17q21.2.
Variant type: single nucleotide variant.
Coding change: c.1393G>A on transcript NM_001254.4 (MANE Select); coding-DNA position 1393, G replaced by A.
Protein change: p.Val465Ile; replaces valine 465 with isoleucine.
Molecular consequence: missense variant.
Genome position (GRCh38, 1-based): chr17:40,300,971, G>A. VCF-style: chr17-40300971-G-A. GRCh37 (hg19) VCF-style: chr17-38457223-G-A.
Other names: short protein forms V465I.
Identifiers: ClinVar variation 2848302 (VCV002848302.3), dbSNP rs2544147059, ClinGen allele CA399335701.